The following is an entry in ClinVar:

NM_014915.3(ANKRD26):c.4970A>C (p.Glu1657Ala)

Gene: ANKRD26 (ankyrin repeat domain containing 26; minus strand). Cytogenetic location: 10p12.1.
Variant type: single nucleotide variant.
Coding change: c.4970A>C on transcript NM_014915.3 (MANE Select); coding-DNA position 4970, A replaced by C.
Protein change: p.Glu1657Ala; replaces glutamic acid 1657 with alanine.
Molecular consequence: missense variant.
Genome position (GRCh38, 1-based): chr10:27,006,946, T>G on the plus strand (A>C on the coding strand, the complement: ANKRD26 is on the minus strand). VCF-style: chr10-27006946-T-G. GRCh37 (hg19) VCF-style: chr10-27295875-T-G.
Other names: c.4967A>C, p.Glu1656Ala (NM_001256053.2); short protein forms E1656A, E1657A.
Identifiers: ClinVar variation 3913846 (VCV003913846.1).

ClinVar aggregate classification (germline): Uncertain significance (1 of 4 stars; one submission).

Conditions:
Inborn genetic diseases. Identifiers: MedGen C0950123, MeSH D030342.

gnomAD v4.1: 1 of 1,610,324 alleles (0.000062%); highest among the groups gnomAD compares: Non-Finnish European, 0.000085%; no homozygotes.

Submission:

Ambry Genetics
Classification: Uncertain significance for Inborn genetic diseases. Last evaluated: 2025-04-21. Review status: criteria provided, single submitter. Criteria: Ambry Variant Classification Scheme 2023. Collection method: clinical testing. Allele origin: germline.
Comment: The p.E1657A variant (also known as c.4970A>C), located in coding exon 33 of the ANKRD26 gene, results from an A to C substitution at nucleotide position 4970. The glutamic acid at codon 1657 is replaced by alanine, an amino acid with dissimilar properties. This amino acid position is conserved. In addition, this alteration is predicted to be tolerated by in silico analysis. Based on the available evidence, the clinical significance of this variant remains unclear.